The following is an entry in ClinVar:

ClinVar aggregate classification (germline): Uncertain significance (1 of 4 stars; one submission).

Submission:

GeneDx
Classification: Uncertain significance. Last evaluated: 2026-03-01. Review status: criteria provided, single submitter. Criteria: GeneDx Variant Classification Process June 2021. Collection method: clinical testing. Allele origin: germline.
Comment: Not observed at significant frequency in large population cohorts (gnomAD); In silico analysis suggests that this missense variant does not alter protein structure/function; Has not been previously published as pathogenic or benign to our knowledge

NM_004982.4(KCNJ8):c.1218G>C (p.Met406Ile)

Genes: KCNJ8 (potassium inwardly rectifying channel subfamily J member 8; minus strand), KCNJ8-AS1 (KCNJ8 antisense RNA 1; plus strand). Cytogenetic location: 12p12.1.
Variant type: single nucleotide variant.
Coding change: c.1218G>C on transcript NM_004982.4 (MANE Select); coding-DNA position 1218, G replaced by C.
Protein change: p.Met406Ile; replaces methionine 406 with isoleucine.
Molecular consequence: missense variant.
Genome position (GRCh38, 1-based): chr12:21,765,780, C>G on the plus strand (G>C on the coding strand, the complement: KCNJ8 is on the minus strand). VCF-style: chr12-21765780-C-G. GRCh37 (hg19) VCF-style: chr12-21918714-C-G.
Other names: short protein forms M406I.
Identifiers: ClinVar variation 5008344 (VCV005008344.1).